The following is an entry in ClinVar:

ClinVar aggregate classification (germline): Likely pathogenic. Review status: criteria provided, multiple submitters, no conflicts (2 of 4 stars). 2 submissions from 2 submitters: Likely pathogenic (2). Last evaluated 2025-09-12.

Conditions:
Fanconi anemia (FA). Also called: Fanconi's anemia. Identifiers: Orphanet 84, MedGen C0015625, MeSH D005199, MONDO:0019391.
Fanconi anemia complementation group A (FANCA). Also called: FANCA-Related Fanconi Anemia; Fanconi anemia, group A. Identifiers: Orphanet 84, MedGen C3469521, MONDO:0009215, OMIM 227650.

Submissions (2):

Natera, Inc.
Classification: Likely pathogenic for Fanconi anemia. Last evaluated: 2025-09-12. Review status: criteria provided, single submitter. Criteria: Natera Variant Classification Schema (03/2026). Collection method: clinical testing. Allele origin: germline.
Comment: The c.1593C>G variant in FANCA is a nonsense variant predicted to introduce a stop codon at amino acid 531. This variant is expected to result in nonsense mediated decay, truncation, or a dysfunctional protein product. This variant is rare in the general population with a frequency below the threshold expected for the associated phenotype(s). Given the available evidence, this variant is classified as Likely Pathogenic.

Revvity Omics, Revvity
Classification: Likely pathogenic for Fanconi anemia complementation group A. Last evaluated: 2024-06-04. Review status: criteria provided, single submitter. Criteria: ACMG Guidelines, 2015. Collection method: clinical testing. Allele origin: germline.

NM_000135.4(FANCA):c.1593C>G (p.Tyr531Ter)

Gene: FANCA (FA complementation group A; minus strand). Cytogenetic location: 16q24.3.
Variant type: single nucleotide variant.
Coding change: c.1593C>G on transcript NM_000135.4 (MANE Select); coding-DNA position 1593, C replaced by G.
Protein change: p.Tyr531Ter; replaces tyrosine 531 with a stop codon.
Molecular consequence: nonsense.
Genome position (GRCh38, 1-based): chr16:89,782,892, G>C on the plus strand (C>G on the coding strand, the complement: FANCA is on the minus strand). VCF-style: chr16-89782892-G-C. GRCh37 (hg19) VCF-style: chr16-89849300-G-C.
Other names: c.1593C>G (NM_000135.3); c.1593C>G, p.Tyr531Ter (NM_001286167.3); short protein forms Y531*.
Identifiers: ClinVar variation 4081389 (VCV004081389.2).